The following is an entry in ClinVar:

NM_020693.4(DSCAML1):c.2447G>T (p.Arg816Leu)

Gene: DSCAML1 (DS cell adhesion molecule like 1; minus strand). Cytogenetic location: 11q23.3.
Variant type: single nucleotide variant.
Coding change: c.2447G>T on transcript NM_020693.4 (MANE Select); coding-DNA position 2447, G replaced by T.
Protein change: p.Arg816Leu; replaces arginine 816 with leucine.
Molecular consequence: missense variant.
Genome position (GRCh38, 1-based): chr11:117,482,075, C>A on the plus strand (G>T on the coding strand, the complement: DSCAML1 is on the minus strand). VCF-style: chr11-117482075-C-A. GRCh37 (hg19) VCF-style: chr11-117352790-C-A.
Other names: c.2447G>T, p.Arg816Leu (NM_001367904.1); c.2627G>T (NM_020693.2); short protein forms R816L.
Identifiers: ClinVar variation 2171044 (VCV002171044.5), dbSNP rs1028890107, ClinGen allele CA382748109.

ClinVar aggregate classification (germline): Uncertain significance. Review status: criteria provided, multiple submitters, no conflicts (2 of 4 stars). 2 submissions from 2 submitters: Uncertain significance (2). Last evaluated 2025-02-23.

gnomAD v4.1: 15 of 1,614,030 alleles (0.00093%); highest among the groups gnomAD compares: Non-Finnish European, 0.0013%; no homozygotes.

Submissions (2):

Ambry Genetics
Classification: Uncertain significance. Last evaluated: 2025-02-23. Review status: criteria provided, single submitter. Criteria: Ambry Variant Classification Scheme 2023. Collection method: clinical testing. Allele origin: germline.

Labcorp Genetics (formerly Invitae), Labcorp
Classification: Uncertain significance. Last evaluated: 2022-03-20. Review status: criteria provided, single submitter. Criteria: Invitae Variant Classification Sherloc (09022015). Collection method: clinical testing. Allele origin: germline.
Comment: Algorithms developed to predict the effect of missense changes on protein structure and function (SIFT, PolyPhen-2, Align-GVGD) all suggest that this variant is likely to be tolerated. In summary, the available evidence is currently insufficient to determine the role of this variant in disease. Therefore, it has been classified as a Variant of Uncertain Significance. This sequence change replaces arginine, which is basic and polar, with leucine, which is neutral and non-polar, at codon 876 of the DSCAML1 protein (p.Arg876Leu). This variant is present in population databases (no rsID available, gnomAD 0.007%). This variant has not been reported in the literature in individuals affected with DSCAML1-related conditions.